The following is an entry in ClinVar:

NM_003823.4(TNFRSF6B):c.884G>A (p.Arg295His)

Genes: RTEL1-TNFRSF6B (RTEL1-TNFRSF6B readthrough (NMD candidate); plus strand), TNFRSF6B (TNF receptor superfamily member 6b; plus strand). Cytogenetic location: 20q13.33.
Variant type: single nucleotide variant.
Coding change: c.884G>A on transcript NM_003823.4 (MANE Select); coding-DNA position 884, G replaced by A.
Protein change: p.Arg295His; replaces arginine 295 with histidine.
Molecular consequence: missense variant. On other transcripts: non-coding transcript variant (1).
Genome position (GRCh38, 1-based): chr20:63,698,544, G>A. VCF-style: chr20-63698544-G-A. GRCh37 (hg19) VCF-style: chr20-62329897-G-A.
Other names: short protein forms R295H.
Identifiers: ClinVar variation 1945369 (VCV001945369.5), dbSNP rs747619103, ClinGen allele CA9966660.

ClinVar aggregate classification (germline): Uncertain significance (1 of 4 stars; one submission).

Allele frequency attached by ClinVar (database versions not stated): gnomAD exomes below 0.00001; TOPMed below 0.00001; ExAC 0.00001; gnomAD 0.00001.
gnomAD v4.1: 8 of 1,536,364 alleles (0.00052%); highest among the groups gnomAD compares: East Asian, 0.0025%; no homozygotes.

Submission:

Labcorp Genetics (formerly Invitae), Labcorp
Classification: Uncertain significance. Last evaluated: 2024-08-28. Review status: criteria provided, single submitter. Criteria: Invitae Variant Classification Sherloc (09022015). Collection method: clinical testing. Allele origin: germline.
Comment: This sequence change replaces arginine, which is basic and polar, with histidine, which is basic and polar, at codon 295 of the TNFRSF6B protein (p.Arg295His). The frequency data for this variant in the population databases is considered unreliable, as metrics indicate poor data quality at this position in the gnomAD database. This variant has not been reported in the literature in individuals affected with TNFRSF6B-related conditions. ClinVar contains an entry for this variant (Variation ID: 1945369). An algorithm developed to predict the effect of missense changes on protein structure and function outputs the following: PolyPhen-2: "Benign". The histidine amino acid residue is found in multiple mammalian species, which suggests that this missense change does not adversely affect protein function. Algorithms developed to predict the effect of sequence changes on RNA splicing suggest that this variant may create or strengthen a splice site. In summary, the available evidence is currently insufficient to determine the role of this variant in disease. Therefore, it has been classified as a Variant of Uncertain Significance.